The following is an entry in ClinVar:

NM_020166.5(MCCC1):c.955+1G>T

Gene: MCCC1 (methylcrotonyl-CoA carboxylase subunit 1; minus strand). Cytogenetic location: 3q27.1.
Variant type: single nucleotide variant.
Coding change: c.955+1G>T on transcript NM_020166.5 (MANE Select); the canonical splice donor site of the intron after coding-DNA position 955, G replaced by T.
Molecular consequence: splice donor variant.
Genome position (GRCh38, 1-based): chr3:183,052,158, C>A on the plus strand (G>T on the coding strand, the complement: MCCC1 is on the minus strand). VCF-style: chr3-183052158-C-A. GRCh37 (hg19) VCF-style: chr3-182769946-C-A.
Other names: c.628+1G>T (NM_001363880.1); c.604+1G>T (NM_001293273.2).
Identifiers: ClinVar variation 2129154 (VCV002129154.4), dbSNP rs1340827377, ClinGen allele CA355326455.

ClinVar aggregate classification (germline): Likely pathogenic (1 of 4 stars; one submission).

Conditions:
3-methylcrotonyl-CoA carboxylase 1 deficiency (MCC1D). Also called: MCC 1 deficiency; 3 Alpha methylcrotonylglycinuria 1; MCCD TYPE 1; METHYLCROTONYLGLYCINURIA TYPE I. Identifiers: Orphanet 6, MedGen CN028786, MONDO:0008861, OMIM 210200.

Submission:

Labcorp Genetics (formerly Invitae), Labcorp
Classification: Likely pathogenic for 3-methylcrotonyl-CoA carboxylase 1 deficiency. Last evaluated: 2022-04-22. Review status: criteria provided, single submitter. Criteria: Invitae Variant Classification Sherloc (09022015). Collection method: clinical testing. Allele origin: germline.
Comment: This variant has not been reported in the literature in individuals affected with MCCC1-related conditions. In summary, the currently available evidence indicates that the variant is pathogenic, but additional data are needed to prove that conclusively. Therefore, this variant has been classified as Likely Pathogenic. Algorithms developed to predict the effect of sequence changes on RNA splicing suggest that this variant may disrupt the consensus splice site. This variant is not present in population databases (gnomAD no frequency). This sequence change affects a donor splice site in intron 9 of the MCCC1 gene. It is expected to disrupt RNA splicing. Variants that disrupt the donor or acceptor splice site typically lead to a loss of protein function (PMID: 16199547), and loss-of-function variants in MCCC1 are known to be pathogenic (PMID: 11181649, 15359379, 22642865).

Literature cited by the submitters: PubMed 16199547; PubMed 11181649; PubMed 15359379; PubMed 22642865.